The following is an entry in ClinVar:

NM_171998.4(RAB39B):c.64T>G (p.Ser22Ala)

Gene: RAB39B (RAB39B, member RAS oncogene family; minus strand). Cytogenetic location: Xq28.
Variant type: single nucleotide variant.
Coding change: c.64T>G on transcript NM_171998.4 (MANE Select); coding-DNA position 64, T replaced by G.
Protein change: p.Ser22Ala; replaces serine 22 with alanine.
Molecular consequence: missense variant.
Genome position (GRCh38, 1-based): chrX:155,264,225, A>C on the plus strand (T>G on the coding strand, the complement: RAB39B is on the minus strand). VCF-style: chrX-155264225-A-C. GRCh37 (hg19) VCF-style: chrX-154493510-A-C.
Other names: short protein forms S22A.
Identifiers: ClinVar variation 931638 (VCV000931638.3), dbSNP rs2074862064, ClinGen allele CA414925613.

ClinVar aggregate classification (germline): Uncertain significance (1 of 4 stars; one submission).

Conditions:
Intellectual developmental disorder, X-linked 72. Also called: Intellectual disability, X-linked 72. Identifiers: Orphanet 777, MedGen C1846038, MONDO:0010289, OMIM 300271.

Submission:

Centre for Mendelian Genomics, University Medical Centre Ljubljana
Classification: Uncertain significance for Intellectual developmental disorder, X-linked 72. Last evaluated: 2020-03-06. Review status: criteria provided, single submitter. Criteria: ACMG Guidelines, 2015. Collection method: clinical testing. Allele origin: unknown. Affected: yes.
Comment: This variant was classified as: Uncertain significance. The following ACMG criteria were applied in classifying this variant: PM2,PP3. This variant was detected in hemizygous state.